The following is an entry in ClinVar:

NM_001367805.3(KIF23):c.2249A>G (p.Tyr750Cys)

Gene: KIF23 (kinesin family member 23; plus strand). Cytogenetic location: 15q23.
Variant type: single nucleotide variant.
Coding change: c.2249A>G on transcript NM_001367805.3 (MANE Select); coding-DNA position 2249, A replaced by G.
Protein change: p.Tyr750Cys; replaces tyrosine 750 with cysteine.
Molecular consequence: missense variant. On other transcripts: non-coding transcript variant (1), intron variant (1).
Genome position (GRCh38, 1-based): chr15:69,440,907, A>G. VCF-style: chr15-69440907-A-G. GRCh37 (hg19) VCF-style: chr15-69733246-A-G.
Other names: c.1877A>G, p.Tyr626Cys (NM_001281301.2); c.2207A>G, p.Tyr736Cys (NM_001367804.2, NM_138555.4); c.2067+420A>G (NM_004856.7); short protein forms Y626C, Y736C, Y750C.
Identifiers: ClinVar variation 4780935 (VCV004780935.1).

ClinVar aggregate classification (germline): Uncertain significance (1 of 4 stars; one submission).

gnomAD v4.1: 1 of 1,614,148 alleles (0.000062%); highest among the groups gnomAD compares: Non-Finnish European, 0.000085%; no homozygotes.

Submission:

Labcorp Genetics (formerly Invitae), Labcorp
Classification: Uncertain significance. Last evaluated: 2025-10-15. Review status: criteria provided, single submitter. Criteria: Invitae Variant Classification Sherloc (09022015). Collection method: clinical testing. Allele origin: germline.
Comment: This sequence change replaces tyrosine, which is neutral and polar, with cysteine, which is neutral and slightly polar, at codon 736 of the KIF23 protein (p.Tyr736Cys). This variant is not present in population databases (gnomAD no frequency). This variant has not been reported in the literature in individuals affected with KIF23-related conditions. An algorithm developed to predict the effect of missense changes on protein structure and function (PolyPhen-2) suggests that this variant is likely to be tolerated. In summary, the available evidence is currently insufficient to determine the role of this variant in disease. Therefore, it has been classified as a Variant of Uncertain Significance.